The following is an entry in ClinVar:

NM_001323289.2(CDKL5):c.2046+3A>G

Gene: CDKL5 (cyclin dependent kinase like 5; plus strand). Cytogenetic location: Xp22.13.
Variant type: single nucleotide variant.
Coding change: c.2046+3A>G on transcript NM_001323289.2 (MANE Select); 3 bases into the intron after coding-DNA position 2046, A replaced by G.
Molecular consequence: intron variant.
Genome position (GRCh38, 1-based): chrX:18,608,915, A>G. VCF-style: chrX-18608915-A-G. GRCh37 (hg19) VCF-style: chrX-18627035-A-G.
Other names: c.2046+3A>G (NM_003159.3, NM_001037343.2).
Identifiers: ClinVar variation 507724 (VCV000507724.4), dbSNP rs751000827, ClinGen allele CA10360445.

ClinVar aggregate classification (germline): Likely benign. Review status: reviewed by expert panel (3 of 4 stars). 3 submissions from 3 submitters: Likely benign (1). 2 of the submissions do not count toward it. Last evaluated 2023-08-23.

Conditions:
Inborn genetic diseases. Identifiers: MedGen C0950123, MeSH D030342.
CDKL5 disorder. Identifiers: MedGen CN296942, MONDO:0100039.

Allele frequency attached by ClinVar (database versions not stated): gnomAD below 0.00001 and 0.00003; ExAC 0.00001; gnomAD exomes 0.00001.
gnomAD v4.1: 12 of 1,127,624 alleles (0.0011%); highest among the groups gnomAD compares: South Asian, 0.016%; no homozygotes.

Submissions (3):

ClinGen Rett and Angelman-like Disorders Variant Curation Expert Panel
Classification: Likely benign for CDKL5 disorder. Last evaluated: 2023-08-23. Review status: reviewed by expert panel. Criteria: ClinGen RettAS ACMG Specifications CDKL5 V3.0.0. Collection method: curation. Allele origin: germline. Inheritance: X-linked inheritance.
Comment: The c.2046+3A>G variant in CDKL5 is present in 1 female and 1 male individual(s) in gnomAD (0.001097) (not sufficient to meet BS1 criteria). Splice prediction analysis, using multiple computational tools does not suggest an impact to splicing (BP4). In summary, the c.2046+3A>G variant in CDKL5 is classified as likely benign based on the ACMG/AMP criteria (BP4, BP5).

Ambry Genetics
Classification: Uncertain significance for Inborn genetic diseases. Last evaluated: 2022-02-15. Review status: criteria provided, single submitter. Criteria: Ambry Variant Classification Scheme 2023. Collection method: clinical testing. Allele origin: germline. Not counted in ClinVar's aggregate classification.
Comment: The c.2046+3A>G intronic alteration consists of a A to G substitution 3 nucleotides after exon 13 (coding exon 12) of the CDKL5 gene. Based on insufficient or conflicting evidence, the clinical significance of this alteration remains unclear.

GeneDx
Classification: Likely benign. Last evaluated: 2017-03-01. Review status: criteria provided, single submitter. Criteria: GeneDx Variant Classification (06012015). Collection method: clinical testing. Allele origin: germline. Affected: yes. Not counted in ClinVar's aggregate classification.
Comment: This variant is considered likely benign or benign based on one or more of the following criteria: it is a conservative change, it occurs at a poorly conserved position in the protein, it is predicted to be benign by multiple in silico algorithms, and/or has population frequency not consistent with disease.